The following is an entry in ClinVar:

ClinVar aggregate classification (germline): Likely pathogenic (1 of 4 stars; one submission).

Conditions:
Hypophosphatasia. Also called: Phosphoethanol-aminuria. Identifiers: Orphanet 436, MedGen C0020630, MeSH D007014, MONDO:0018570.

Submission:

Genomenon, Inc
Classification: Likely pathogenic for Hypophosphatasia. Last evaluated: 2025-08-29. Review status: criteria provided, single submitter. Criteria: Genomenon Sequence Variant Interpretation Standards. Collection method: curation. Allele origin: germline. Affected: yes.
Comment: ALPL c.224G>A is a missense variant that changes the amino acid at residue 75 from Glycine to Aspartic Acid. This variant has been observed in a proband affected with hypophosphatasia (PMID:38591765). The variant was found to segregate with disease in at least one affected family (PMID:38591765). It is absent or not present at a significant frequency in gnomAD. In silico models agree that this variant is possibly or probably damaging. In conclusion, we classify ALPL p.Gly75Asp (c.224G>A) as a likely pathogenic variant.

Literature cited by the submitters: PubMed 38591765.

NM_000478.6(ALPL):c.224G>A (p.Gly75Asp)

Gene: ALPL (alkaline phosphatase, biomineralization associated; plus strand). Cytogenetic location: 1p36.12.
Variant type: single nucleotide variant.
Coding change: c.224G>A on transcript NM_000478.6 (MANE Select); coding-DNA position 224, G replaced by A.
Protein change: p.Gly75Asp; replaces glycine 75 with aspartic acid.
Molecular consequence: missense variant. On other transcripts: intron variant (1).
Genome position (GRCh38, 1-based): chr1:21,561,139, G>A. VCF-style: chr1-21561139-G-A. GRCh37 (hg19) VCF-style: chr1-21887632-G-A.
Other names: c.59G>A, p.Gly20Asp (NM_001127501.4); c.224G>A, p.Gly75Asp (NM_001369803.2, NM_001369804.2, NM_001369805.2); c.66+394G>A (NM_001177520.3); short protein forms G20D, G75D.
Identifiers: ClinVar variation 4086915 (VCV004086915.1).
Genomic context (GRCh38, chr1:21,561,139, plus strand): 5'-CCCCACTCCCCACTGCAGGGATGGGTGTCTCCACAGTGACGGCTGCCCGCATCCTCAAGG[G>A]TCAGCTCCACCACAACCCTGGGGAGGAGACCAGGCTGGAGATGGACAAGTTCCCCTTCGT-3'
Protein context (NP_000469.3, residues 65-85): STVTAARILK[Gly75Asp]QLHHNPGEET